The following is an entry in ClinVar:

ClinVar aggregate classification (germline): Pathogenic. Review status: criteria provided, single submitter (1 of 4 stars). 2 submissions from 2 submitters: Pathogenic (1). 1 of the submissions does not count toward it. Last evaluated 2024-02-23.

Conditions:
Coffin-Siris syndrome 1 (CSS1). Also called: ARID1B-Related Coffin-Siris Syndrome; Mental retardation, autosomal dominant 12. Identifiers: Orphanet 1465, MedGen C3281201, MONDO:0007617, OMIM 135900. Disease mechanism: gain of function.

Submissions (2):

3billion
Classification: Pathogenic for Coffin-Siris syndrome 1. Last evaluated: 2024-02-23. Review status: criteria provided, single submitter. Criteria: ACMG Guidelines, 2015. Collection method: clinical testing. Allele origin: germline. Affected: yes.
Comment: The variant is observed at an extremely low frequency in the gnomAD v2.1.1 dataset (total allele frequency: 0.002%). Predicted Consequence/Location: Frameshift: predicted to result in a loss or disruption of normal protein function through nonsense-mediated decay (NMD) or protein truncation. Multiple pathogenic variants are reported downstream of the variant. The variant has been reported to be associated with ARID1B related disorder (ClinVar ID: VCV000976450). Therefore, this variant is classified as Pathogenic according to the recommendation of ACMG/AMP guideline.

Clinical Genomics Laboratory, Stanford Medicine
Classification: Pathogenic for Coffin-Siris syndrome 1. Last evaluated: 2019-07-26. Review status: no assertion criteria provided. Collection method: clinical testing. Allele origin: germline. Inheritance: Autosomal dominant inheritance. Affected: yes. Not counted in ClinVar's aggregate classification.
Comment: This variant has been identified in 3/154,678 ethnically diverse chromosomes by the Genome Aggregation Database, however these calls were flagged as low quality. The p.Gly507Aspfs*16 variant results in a 1 bp deletion, which causes a shift in the protein reading frame, leading to a premature termination codon 16 amino acids downstream. Heterozygous loss of function is an established mechanism of disease for the ARID1B gene. These data were assessed using the ACMG/AMP variant interpretation guidelines. In summary, there is sufficient evidence to classify the p.Gly507Aspfs*16 variant as pathogenic for autosomal dominant ARID1B-related disorder based on the information above. [ACMG evidence codes used: PVS1; PS2_Supporting; PM2_Supporting]

NM_001374828.1(ARID1B):c.1767del (p.Gly590fs)

Gene: ARID1B (AT-rich interaction domain 1B; plus strand). Cytogenetic location: 6q25.3.
Variant type: Deletion.
Coding change: c.1767del on transcript NM_001374828.1 (MANE Select); coding-DNA position 1767, one base deleted (C; older notation c.1767delC).
Protein change: p.Gly590fs; shifts the reading frame from glycine 590.
Molecular consequence: frameshift variant.
Genome position (GRCh38, 1-based): chr6:156,779,447, C deleted; the last of 5 consecutive C bases (chr6:156,779,443-156,779,447); deleting any one gives the same sequence. VCF-style (leftmost placement, unchanged base first): chr6-156779442-AC-A. GRCh37 (hg19) VCF-style: chr6-157100576-AC-A.
Other names: c.1518delC (NM_020732.3); c.1767del, p.Gly590fs (NM_001371656.1, NM_001374820.1, NM_017519.3); short protein forms G590fs.
Identifiers: ClinVar variation 976450 (VCV000976450.2), dbSNP rs1289149988, ClinGen allele CA571907184.